The following is an entry in ClinVar:

ClinVar aggregate classification (germline): Uncertain significance (1 of 4 stars; one submission).

Allele frequency attached by ClinVar (database versions not stated): ExAC 0.00001; gnomAD exomes 0.00001; TOPMed 0.00002.

Submission:

Labcorp Genetics (formerly Invitae), Labcorp
Classification: Uncertain significance. Last evaluated: 2024-08-16. Review status: criteria provided, single submitter. Criteria: Invitae Variant Classification Sherloc (09022015). Collection method: clinical testing. Allele origin: germline.
Comment: This sequence change replaces valine, which is neutral and non-polar, with alanine, which is neutral and non-polar, at codon 106 of the LAGE3 protein (p.Val106Ala). This variant is present in population databases (rs782731371, gnomAD 0.01%). This variant has not been reported in the literature in individuals affected with LAGE3-related conditions. An algorithm developed to predict the effect of missense changes on protein structure and function (PolyPhen-2) suggests that this variant is likely to be tolerated. In summary, the available evidence is currently insufficient to determine the role of this variant in disease. Therefore, it has been classified as a Variant of Uncertain Significance.

NM_006014.5(LAGE3):c.317T>C (p.Val106Ala)

Gene: LAGE3 (L antigen family member 3; minus strand). Cytogenetic location: Xq28.
Variant type: single nucleotide variant.
Coding change: c.317T>C on transcript NM_006014.5 (MANE Select); coding-DNA position 317, T replaced by C.
Protein change: p.Val106Ala; replaces valine 106 with alanine.
Molecular consequence: missense variant.
Genome position (GRCh38, 1-based): chrX:154,478,283, A>G on the plus strand (T>C on the coding strand, the complement: LAGE3 is on the minus strand). VCF-style: chrX-154478283-A-G. GRCh37 (hg19) VCF-style: chrX-153706622-A-G.
Other names: short protein forms V106A.
Identifiers: ClinVar variation 2982368 (VCV002982368.3), dbSNP rs782731371, ClinGen allele CA10565228.